The following is an entry in ClinVar:

ClinVar aggregate classification (germline): Uncertain significance (0 of 4 stars; one submission).

Conditions:
YIF1B-related condition.

Submission:

PreventionGenetics, part of Exact Sciences
Classification: Uncertain significance for YIF1B-related condition. Last evaluated: 2024-07-16. Review status: no assertion criteria provided. Collection method: clinical testing. Allele origin: germline.
Comment: The YIF1B c.890_895dup6 variant is predicted to result in an in-frame duplication (p.Val297_Ala298dup). To our knowledge, this variant has not been reported in the literature or in a large population database, indicating this variant is rare. At this time, the clinical significance of this variant is uncertain due to the absence of conclusive functional and genetic evidence.

NM_001039672.3(YIF1B):c.884TGGCGG[3] (p.Ala298_Ala299insValAla)

Gene: YIF1B (Yip1 interacting factor homolog B, membrane trafficking protein; minus strand). Cytogenetic location: 19q13.2.
Variant type: Microsatellite.
Coding change: c.884TGGCGG[3] on transcript NM_001039672.3 (MANE Select); three copies in a row of the 6-base unit TGGCGG starting at c.884; the reference has two copies in a row; one copy, 6 bases duplicated.
Protein change: p.Ala298_Ala299insValAla.
Molecular consequence: inframe insertion. On other transcripts: 3 prime UTR variant (1).
Genome position (GRCh38, 1-based): chr19:38,305,402-38,305,407, CCGCCA duplicated on the plus strand (TGGCGG on the coding strand, the reverse complement: YIF1B is on the minus strand); duplicating any 6 consecutive bases within chr19:38,305,402-38,305,413 gives the same sequence; the position shown is the placement nearest the transcript's 3' end. VCF-style (leftmost placement, unchanged base first): chr19-38305401-G-GCCGCCA. GRCh37 (hg19) VCF-style: chr19-38796041-G-GCCGCCA.
Other names: c.839TGGCGG[3], p.Ala283_Ala284insValAla (NM_001039671.3); c.875TGGCGG[3], p.Ala295_Ala296insValAla (NM_001039673.3); c.833TGGCGG[3], p.Ala281_Ala282insValAla (NM_001145461.2); c.791TGGCGG[3], p.Ala267_Ala268insValAla (NM_001145462.2); c.*76TGGCGG[3] (NM_001145463.2).
Identifiers: ClinVar variation 3354602 (VCV003354602.1).
Genomic context (GRCh38, chr19:38,305,401, plus strand): 5'-AGCGGGCGCGCTCACCGCACCAGGTGGAAGGTGAGCCAGTACATGAGCATAGGCTGCGCC[G>GCCGCCA]CCGCCACCGCCATGGTCAGGTACATGCGCAGCTGGTTCCGGGCCCCACGCACCGGGACCC-3'